The following is an entry in ClinVar:

ClinVar aggregate classification (germline): Uncertain significance (1 of 4 stars; one submission).

gnomAD v4.1: 1 of 1,613,976 alleles (0.000062%); highest among the groups gnomAD compares: Admixed American, 0.0017%; no homozygotes.

Submission:

GeneDx
Classification: Uncertain significance. Last evaluated: 2023-11-05. Review status: criteria provided, single submitter. Criteria: GeneDx Variant Classification Process June 2021. Collection method: clinical testing. Allele origin: germline. Affected: yes.
Comment: Not observed at significant frequency in large population cohorts (gnomAD); In silico analysis supports that this missense variant does not alter protein structure/function; Has not been previously published as pathogenic or benign to our knowledge

NM_006267.5(RANBP2):c.3076A>G (p.Thr1026Ala)

Gene: RANBP2 (RAN binding protein 2; plus strand). Cytogenetic location: 2q13.
Variant type: single nucleotide variant.
Coding change: c.3076A>G on transcript NM_006267.5 (MANE Select); coding-DNA position 3076, A replaced by G.
Protein change: p.Thr1026Ala; replaces threonine 1026 with alanine.
Molecular consequence: missense variant.
Genome position (GRCh38, 1-based): chr2:108,763,615, A>G. VCF-style: chr2-108763615-A-G. GRCh37 (hg19) VCF-style: chr2-109380071-A-G.
Other names: c.3076A>G, p.Thr1026Ala (NM_001415871.1, NM_001415873.1); c.3073A>G, p.Thr1025Ala (NM_001415872.1); short protein forms T1025A, T1026A.
Identifiers: ClinVar variation 3363577 (VCV003363577.1).
Genomic context (GRCh38, chr2:108,763,615, plus strand): 5'-TTTGTTCAGCCCATGCCGGGTGAAGGATTAAGGCCATCTTTGCCAACACAAGCACACACA[A>G]CACAGCCAACTCCTTTTAAATTTAACTCAAATTTCAAATCAAATGATGGTGACTTCACGT-3'
Protein context (NP_006258.3, residues 1016-1036): RPSLPTQAHT[Thr1026Ala]QPTPFKFNSN